The following is an entry in ClinVar:

ClinVar aggregate classification (germline): Uncertain significance (1 of 4 stars; one submission).

Submission:

GeneDx
Classification: Uncertain significance. Last evaluated: 2024-11-02. Review status: criteria provided, single submitter. Criteria: GeneDx Variant Classification Process June 2021. Collection method: clinical testing. Allele origin: germline. Affected: yes.
Comment: Not observed at significant frequency in large population cohorts (gnomAD); In silico analysis supports that this missense variant has a deleterious effect on protein structure/function; Has not been previously published as pathogenic or benign to our knowledge

NM_015001.3(SPEN):c.1583T>G (p.Val528Gly)

Gene: SPEN (spen family transcriptional repressor; plus strand). Cytogenetic location: 1p36.13.
Variant type: single nucleotide variant.
Coding change: c.1583T>G on transcript NM_015001.3 (MANE Select); coding-DNA position 1583, T replaced by G.
Protein change: p.Val528Gly; replaces valine 528 with glycine.
Molecular consequence: missense variant.
Genome position (GRCh38, 1-based): chr1:15,919,465, T>G. VCF-style: chr1-15919465-T-G. GRCh37 (hg19) VCF-style: chr1-16245960-T-G.
Other names: short protein forms V528G.
Identifiers: ClinVar variation 3897462 (VCV003897462.1).